The following is an entry in ClinVar:

NM_023936.2(MRPS34):c.174G>C (p.Val58=)

Genes: EME2 (essential meiotic structure-specific endonuclease subunit 2; plus strand), MRPS34 (mitochondrial ribosomal protein S34; minus strand). Cytogenetic location: 16p13.3.
Variant type: single nucleotide variant.
Coding change: c.174G>C on transcript NM_023936.2 (MANE Select); coding-DNA position 174, G replaced by C.
Protein change: p.Val58=; no amino-acid change (valine 58 retained).
Molecular consequence: synonymous variant. On other transcripts: 5 prime UTR variant (1).
Genome position (GRCh38, 1-based): chr16:1,772,946, C>G on the plus strand (G>C on the coding strand, the complement: MRPS34 is on the minus strand). VCF-style: chr16-1772946-C-G. GRCh37 (hg19) VCF-style: chr16-1822947-C-G.
Other names: c.-282C>G (NM_001257370.2); c.174G>C, p.Val58= (NM_001300900.2).
Identifiers: ClinVar variation 1275184 (VCV001275184.12), dbSNP rs1076695, ClinGen allele CA7818426.

ClinVar aggregate classification (germline): Benign. Review status: criteria provided, multiple submitters, no conflicts (2 of 4 stars). 4 submissions from 4 submitters: Benign (3). 1 of the submissions does not count toward it. Last evaluated 2026-02-03.

Conditions:
MRPS34-related disorder. Also called: MRPS34-related condition.

Allele frequency attached by ClinVar (database versions not stated): 1000 Genomes Project 30x 0.05122; gnomAD 0.09601 and 0.09780; ExAC 0.17166; gnomAD exomes 0.09348; ESP Exome Variant Server 0.05649; TOPMed 0.09332; 1000 Genomes Project 0.05012.

Submissions (4):

Labcorp Genetics (formerly Invitae), Labcorp
Classification: Benign. Last evaluated: 2026-02-03. Review status: criteria provided, single submitter. Criteria: Invitae Variant Classification Sherloc (09022015). Collection method: clinical testing. Allele origin: germline.

GeneDx
Classification: Benign. Last evaluated: 2019-08-02. Review status: criteria provided, single submitter. Criteria: GeneDx Variant Classification Process June 2021. Collection method: clinical testing. Allele origin: germline. Affected: yes.

Breakthrough Genomics
Classification: Benign. Review status: criteria provided, single submitter. Criteria: ACMG Guidelines, 2015. Collection method: not provided. Allele origin: germline. Inheritance: Autosomal recessive inheritance. Affected: yes.

PreventionGenetics, part of Exact Sciences
Classification: Benign for MRPS34-related condition. Last evaluated: 2019-10-29. Review status: no assertion criteria provided. Collection method: clinical testing. Allele origin: germline. Not counted in ClinVar's aggregate classification.
Comment: This variant is classified as benign based on ACMG/AMP sequence variant interpretation guidelines (Richards et al. 2015 PMID: 25741868, with internal and published modifications).